The following is an entry in ClinVar:

ClinVar aggregate classification (germline): Uncertain significance (1 of 4 stars; one submission).

Submission:

GeneDx
Classification: Uncertain significance. Last evaluated: 2025-04-23. Review status: criteria provided, single submitter. Criteria: GeneDx Variant Classification Process June 2021. Collection method: clinical testing. Allele origin: germline. Affected: yes.
Comment: Not observed at significant frequency in large population cohorts (gnomAD); Canonical splice site variant with an unclear effect on protein function; Has not been previously published as pathogenic or benign to our knowledge

NM_001252102.2(KIF21B):c.3615-1G>C

Gene: KIF21B (kinesin family member 21B; minus strand). Cytogenetic location: 1q32.1.
Variant type: single nucleotide variant.
Coding change: c.3615-1G>C on transcript NM_001252102.2 (MANE Select); the canonical splice acceptor site of the intron before coding-DNA position 3615, G replaced by C.
Molecular consequence: splice acceptor variant.
Genome position (GRCh38, 1-based): chr1:200,986,919, C>G on the plus strand (G>C on the coding strand, the complement: KIF21B is on the minus strand). VCF-style: chr1-200986919-C-G. GRCh37 (hg19) VCF-style: chr1-200956047-C-G.
Other names: c.3615-1G>C (NM_001252103.2, NM_017596.4, NM_001252100.2).
Identifiers: ClinVar variation 4527461 (VCV004527461.1).